The following is an entry in ClinVar:

NM_032119.4(ADGRV1):c.13732G>A (p.Gly4578Arg)

Gene: ADGRV1 (adhesion G protein-coupled receptor V1; plus strand). Cytogenetic location: 5q14.3.
Variant type: single nucleotide variant.
Coding change: c.13732G>A on transcript NM_032119.4 (MANE Select); coding-DNA position 13732, G replaced by A.
Protein change: p.Gly4578Arg; replaces glycine 4578 with arginine.
Molecular consequence: missense variant. On other transcripts: non-coding transcript variant (1).
Genome position (GRCh38, 1-based): chr5:90,788,149, G>A. VCF-style: chr5-90788149-G-A. GRCh37 (hg19) VCF-style: chr5-90083966-G-A.
Other names: short protein forms G4578R.
Identifiers: ClinVar variation 2120243 (VCV002120243.2), dbSNP rs550190828, ClinGen allele CA122810476.

ClinVar aggregate classification (germline): Uncertain significance. Review status: criteria provided, multiple submitters, no conflicts (2 of 4 stars). 2 submissions from 2 submitters: Uncertain significance (2). Last evaluated 2022-06-05.

Allele frequency attached by ClinVar (database versions not stated): gnomAD exomes below 0.00001; gnomAD 0.00001; 1000 Genomes Project 30x 0.00016; 1000 Genomes Project 0.00020.
gnomAD v4.1: 6 of 1,613,724 alleles (0.00037%); highest among the groups gnomAD compares: Non-Finnish European, 0.00025%; no homozygotes.

Submissions (2):

Labcorp Genetics (formerly Invitae), Labcorp
Classification: Uncertain significance. Last evaluated: 2022-06-05. Review status: criteria provided, single submitter. Criteria: Invitae Variant Classification Sherloc (09022015). Collection method: clinical testing. Allele origin: germline.
Comment: This sequence change replaces glycine, which is neutral and non-polar, with arginine, which is basic and polar, at codon 4578 of the ADGRV1 protein (p.Gly4578Arg). This variant is present in population databases (rs550190828, gnomAD 0.008%). This variant has not been reported in the literature in individuals affected with ADGRV1-related conditions. Algorithms developed to predict the effect of missense changes on protein structure and function are either unavailable or do not agree on the potential impact of this missense change (SIFT: "Deleterious"; PolyPhen-2: "Probably Damaging"; Align-GVGD: "Class C0"). In summary, the available evidence is currently insufficient to determine the role of this variant in disease. Therefore, it has been classified as a Variant of Uncertain Significance.

Blueprint Genetics
Classification: Uncertain significance. Last evaluated: 2019-11-04. Review status: criteria provided, single submitter. Criteria: ACMG Guidelines, 2015. Collection method: clinical testing. Allele origin: germline.